The following is an entry in ClinVar:

ClinVar aggregate classification (germline): Conflicting classifications of pathogenicity. Review status: criteria provided, conflicting classifications (1 of 4 stars). 4 submissions from 4 submitters: Uncertain significance (3); Likely benign (1). Last evaluated 2026-07-08.

Conditions:
RP1-related disorder. Also called: RP1-related condition.
Inborn genetic diseases. Identifiers: MedGen C0950123, MeSH D030342.

Allele frequency attached by ClinVar (database versions not stated): gnomAD 0.00001.
gnomAD v4.1: 6 of 1,614,084 alleles (0.00037%); highest among the groups gnomAD compares: East Asian, 0.0067%; no homozygotes.

Submissions (4):

PreventionGenetics, part of Exact Sciences
Classification: Uncertain significance for RP1-related condition. Last evaluated: 2026-07-08. Review status: criteria provided, single submitter. Criteria: ACMG Guidelines, 2015. Collection method: clinical testing. Allele origin: germline.
Comment: The RP1 c.1180A>C variant is predicted to result in the amino acid substitution p.Met394Leu. To our knowledge, this variant has not been reported in the literature. This variant is reported on one allele in the 'remaining individuals' population in the gnomAD database. At this time, the clinical significance of this variant is uncertain due to the absence of conclusive functional and genetic evidence.

Labcorp Genetics (formerly Invitae), Labcorp
Classification: Uncertain significance. Last evaluated: 2025-03-28. Review status: criteria provided, single submitter. Criteria: Invitae Variant Classification Sherloc (09022015). Collection method: clinical testing. Allele origin: germline.
Comment: This sequence change replaces methionine, which is neutral and non-polar, with leucine, which is neutral and non-polar, at codon 394 of the RP1 protein (p.Met394Leu). This variant is present in population databases (no rsID available, gnomAD no frequency). This variant has not been reported in the literature in individuals affected with RP1-related conditions. ClinVar contains an entry for this variant (Variation ID: 1921154). An algorithm developed to predict the effect of missense changes on protein structure and function outputs the following: PolyPhen-2: "Benign". The leucine amino acid residue is found in multiple mammalian species, which suggests that this missense change does not adversely affect protein function. In summary, the available evidence is currently insufficient to determine the role of this variant in disease. Therefore, it has been classified as a Variant of Uncertain Significance.

Blueprint Genetics
Classification: Uncertain significance. Last evaluated: 2024-06-18. Review status: criteria provided, single submitter. Criteria: ACMG Guidelines, 2015. Collection method: clinical testing. Allele origin: germline.

Ambry Genetics
Classification: Likely benign for Inborn genetic diseases. Last evaluated: 2024-04-09. Review status: criteria provided, single submitter. Criteria: Ambry Variant Classification Scheme 2023. Collection method: clinical testing. Allele origin: germline.

NM_006269.2(RP1):c.1180A>C (p.Met394Leu)

Gene: RP1 (RP1 axonemal microtubule associated; plus strand). Cytogenetic location: 8q12.1.
Variant type: single nucleotide variant.
Coding change: c.1180A>C on transcript NM_006269.2 (MANE Select); coding-DNA position 1180, A replaced by C.
Protein change: p.Met394Leu; replaces methionine 394 with leucine.
Molecular consequence: missense variant. On other transcripts: intron variant (1).
Genome position (GRCh38, 1-based): chr8:54,625,062, A>C. VCF-style: chr8-54625062-A-C. GRCh37 (hg19) VCF-style: chr8-55537622-A-C.
Other names: c.1180A>C (NM_006269.1); c.787+2774A>C (NM_001375654.1); short protein forms M394L.
Identifiers: ClinVar variation 1921154 (VCV001921154.8), dbSNP rs763523179, ClinGen allele CA177236647.